The following is an entry in ClinVar:

ClinVar aggregate classification (germline): Conflicting classifications of pathogenicity. Review status: criteria provided, conflicting classifications (1 of 4 stars). 11 submissions from 10 submitters: Likely pathogenic (2); Uncertain significance (7). 2 of the submissions do not count toward it. Last evaluated 2025-11-17.

Conditions:
Cardiac arrhythmia. Also called: Arrhythmia; Cardiac rhythm disease. Identifiers: MedGen C0003811, MONDO:0007263, HP:0011675.
Cardiovascular phenotype. Identifiers: MedGen CN230736.
Familial long QT syndrome (RWS). Also called: Congenital long QT syndrome; Romano-Ward syndrome; VENTRICULAR FIBRILLATION WITH PROLONGED QT INTERVAL. Identifiers: Orphanet 768, MedGen C1141890, MONDO:0019171.
Long QT syndrome (LQTS). Identifiers: MedGen C0023976, MeSH D008133, MONDO:0002442. Disease mechanism: loss of function. Inheritance: Various modes of inheritance.
Long QT syndrome 2 (LQT2). Identifiers: Orphanet 101016, Orphanet 768, MedGen C3150943, MONDO:0013367, OMIM 613688.

Allele frequency attached by ClinVar (database versions not stated): gnomAD exomes 0.00001; ExAC 0.00001; TOPMed 0.00002; gnomAD 0.00001; ESP Exome Variant Server 0.00008.
gnomAD v4.1: 14 of 1,538,370 alleles (0.00091%); highest among the groups gnomAD compares: Middle Eastern, 0.017%; no homozygotes.

Submissions (11):

Labcorp Genetics (formerly Invitae), Labcorp
Classification: Uncertain significance for Long QT syndrome. Last evaluated: 2025-11-17. Review status: criteria provided, single submitter. Criteria: Invitae Variant Classification Sherloc (09022015). Collection method: clinical testing. Allele origin: germline.
Comment: This sequence change replaces arginine, which is basic and polar, with histidine, which is basic and polar, at codon 887 of the KCNH2 protein (p.Arg887His). The frequency data for this variant in the population databases is considered unreliable, as metrics indicate poor data quality at this position in the gnomAD database. This missense change has been observed in individual(s) with clinical features of KCNH2-related conditions (PMID: 15840476, 26743238). ClinVar contains an entry for this variant (Variation ID: 67423). An algorithm developed to predict the effect of missense changes on protein structure and function (PolyPhen-2) suggests that this variant is likely to be disruptive. Experimental studies have shown that this missense change affects KCNH2 function (PMID: 22653970). In summary, the available evidence is currently insufficient to determine the role of this variant in disease. Therefore, it has been classified as a Variant of Uncertain Significance.

Molecular Diagnostic Laboratory for Inherited Cardiovascular Disease, Montreal Heart Institute
Classification: Uncertain significance for Cardiovascular phenotype. Last evaluated: 2025-04-09. Review status: criteria provided, single submitter. Criteria: ACMG Guidelines, 2015. Collection method: clinical testing. Allele origin: germline. Affected: yes.

Color Diagnostics, LLC DBA Color Health
Classification: Uncertain significance for Cardiac arrhythmia. Last evaluated: 2025-02-03. Review status: criteria provided, single submitter. Criteria: ACMG Guidelines, 2015. Collection method: clinical testing. Allele origin: germline.
Comment: This missense variant replaces arginine with histidine at codon 887 of the KCNH2 protein. Computational prediction suggests that this variant may have deleterious impact on protein structure and function. A functional study has shown that this variant inhibits PKC-dependent phosphorylation of p.Ser890 and results in a significantly reduced cell surface protein expression compared with the wild-type channel. (PMID: 22653970). This variant has been reported in an individual affected with arrhythmia (PMID 26743238) and in an individual referred for long QT genetic testing (PMID: 15840476). This variant has been identified in 2/248800 chromosomes in the general population by the Genome Aggregation Database (gnomAD). In the AllOfUS Research program, this variant has been observed at an elevated frequency in 38/620304 total alleles (0.0061%) and 17/105206 Latin American alleles (0.0162%). This elevated allele frequency in the general population suggests this variant is unlikely to be a disease-causing allele. In summary, one functional study has indicated this variant may play a pathogenic role. However, this variant has not yet been reported in individuals affected with KCNH2-related disorders in published literature, and is observed at an elevated frequency in the general population. The available evidence is insufficient to determine the role of this variant in disease conclusively. Therefore, this variant is classified as a Variant of Uncertain Significance.

All of Us Research Program, National Institutes of Health
Classification: Uncertain significance for Long QT syndrome. Last evaluated: 2024-03-05. Review status: criteria provided, single submitter. Criteria: ACMG Guidelines, 2015. Collection method: clinical testing. Allele origin: germline. Inheritance: Autosomal dominant inheritance. Observed: 10 variant alleles, 10 heterozygotes.
Comment: This missense variant replaces arginine with histidine at codon 887 of the KCNH2 protein. Computational prediction suggests that this variant may have deleterious impact on protein structure and function (internally defined REVEL score threshold >= 0.7, PMID: 27666373). An experimental study has shown that this variant may inhibit PKC-dependent phosphorylation and ultimately inhibit cell surface expression and function of the potassium channel (PMID: 22653970). This variant has been reported in an individual affected with arrhythmia (PMID 26743238) and in an individual referred for long QT genetic testing (PMID: 15840476). This variant has been identified in 2/248800 chromosomes in the general population by the Genome Aggregation Database (gnomAD). The available evidence is insufficient to determine the role of this variant in disease conclusively. Therefore, this variant is classified as a Variant of Uncertain Significance.

This study involves interpretation of variants in research participants for the purpose of population health screening. Participant phenotype was not available at the time of variant classification. Additional details can be found in publication PMID: 35346344, PMCID: PMC8962531

Women's Health and Genetics/Laboratory Corporation of America, LabCorp
Classification: Uncertain significance. Last evaluated: 2019-04-19. Review status: criteria provided, single submitter. Criteria: LabCorp Variant Classification Summary - May 2015. Collection method: clinical testing. Allele origin: germline.
Comment: Variant summary: KCNH2 c.2660G>A (p.Arg887His) results in a non-conservative amino acid change in the encoded protein sequence. Five of five in-silico tools predict a damaging effect of the variant on protein function. The variant allele was found at a frequency of 8e-06 in 248800 control chromosomes (gnomAD). The available data on variant occurrences in the general population are insufficient to allow any conclusion about variant significance. c.2660G>A has been reported in the literature in two individuals affected with long QT syndrome (Adler_2016, Tester_2005). These reports do not provide unequivocal conclusions about association of the variant with Arrhythmia. Experimental evidence evaluating an impact on protein function, demonstrated the variant increased the degradation of the protein thus decreasing Kv11.1 channel abundance on the cell surface and consequently measured ion current density was also decreased, however the in vivo effects of this partially reduced expression cannot be clearly predicted from these data (Donovan_2012). Two clinical diagnostic laboratories have submitted clinical-significance assessments for this variant to ClinVar after 2014 without evidence for independent evaluation. One of these laboratories classified the variant as likely pathogenic, while the other laboratory classified the variant as uncertain significance. Based on the evidence outlined above, the variant was classified as VUS-possibly pathogenic.

Ambry Genetics
Classification: Likely pathogenic for Cardiovascular phenotype. Last evaluated: 2018-06-12. Review status: criteria provided, single submitter. Criteria: Ambry Variant Classification Scheme 2023. Collection method: clinical testing. Allele origin: germline.
Comment: The p.R887H variant (also known as c.2660G>A), located in coding exon 11 of the KCNH2 gene, results from a G to A substitution at nucleotide position 2660. The arginine at codon 887 is replaced by histidine, an amino acid with highly similar properties. This variant was previously described in a long QT syndrome genetic testing cohort and in a primary electrical syndrome cohort (Tester et al. Heart Rhythm. 2005;2(5):507-17; Adler A et al. Circ Arrhythm Electrophysiol. 2016;9:e003440). In functional in vitro analyses, this variant adversely affected the potassium ion channel by inhibiting surface expression and current density (Donovan AJ et al. Mol Pharmacol. 2012;82(3):428-37). This amino acid position is highly conserved in available vertebrate species. In addition, this alteration is predicted to be deleterious by in silico analysis. Based on the majority of available evidence to date, this variant is likely to be pathogenic.

Blueprint Genetics
Classification: Uncertain significance. Last evaluated: 2017-11-22. Review status: criteria provided, single submitter. Criteria: ACMG Guidelines, 2015. Collection method: clinical testing. Allele origin: germline.

GeneDx
Classification: Likely pathogenic. Last evaluated: 2017-09-07. Review status: criteria provided, single submitter. Criteria: GeneDx Variant Classification (06012015). Collection method: clinical testing. Allele origin: germline. Affected: yes.
Comment: The R887H likely pathogenic variant in the KCNH2 gene has been reported in one individual referred for LQTS testing and was absent in greater than 1,500 reference alleles (Tester et al., 2005). In functional studies, R887H was shown to disrupt PKC alpha-dependent phosphorylation and ultimately inhibit surface expression and current density (Donovan et al., 2012). The R887H variant was not observed with any significant frequency in approximately 6,500 individuals of European and African American ancestry in the NHLBI Exome Sequencing Project, and was not observed with any significant frequency in the Exome Aggregation Consortium (ExAC). Missense variants in the same residue (R887C) and in nearby residues (R885C, R885H, R894C, R894L) have been reported in the Human Gene Mutation Database in association with LQTS (Stenson et al., 2014). Although this substitution occurs at a position that is conserved across species, the R887H variant is a conservative amino acid substitution, which is not likely to impact secondary protein structure as these residues share similar properties. Lastly, in silico analysis is inconsistent in its predictions as to whether or not the variant is damaging to the protein structure/function.Therefore, the R887H variant in the KCNH2 gene is likely pathogenic. However, in order to definitively determine its clinical significance, additional data is required.

CSER _CC_NCGL, University of Washington
Classification: Uncertain significance for Long QT Syndrome-2. Last evaluated: 2014-06-01. Review status: criteria provided, single submitter. Criteria: Amendola et al. (Genome Res. 2015). Collection method: research. Allele origin: germline. Inheritance: Autosomal dominant inheritance. Study: ESP 6500 variant annotation.
Comment: Low GERP score may suggest that this variant may belong in a lower pathogenicity class

Variants classified for the Actionable exomic incidental findings in 6503 participants: challenges of variant classification manuscript

CSER _CC_NCGL, University of Washington
Classification: Uncertain significance for Long QT syndrome. Last evaluated: 2014-06-01. Review status: no assertion criteria provided. Collection method: research. Allele origin: germline. Inheritance: Autosomal dominant inheritance. Study: ESP 6500 variant annotation. Not counted in ClinVar's aggregate classification.
Comment: Variants classified for the Actionable exomic incidental findings in 6503 participants: challenges of variant classification manuscript

Cardiovascular Biomedical Research Unit, Royal Brompton & Harefield NHS Foundation Trust
No classification provided. Condition: Familial long QT syndrome. Review status: no classification provided. Collection method: literature only. Allele origin: germline. Not counted in ClinVar's aggregate classification.
Comment: This variant has been reported as associated with Long QT syndrome in the following publications (PMID:15840476;PMID:17161064;PMID:22378279;PMID:22653970). This is a literature report, and does not necessarily reflect the clinical interpretation of the Imperial College / Royal Brompton Cardiovascular Genetics laboratory.

Literature cited by the submitters: PubMed 15840476 (cited by 5 submitters); PubMed 26743238 (cited by 4 submitters); PubMed 22653970 (cited by 6 submitters); PubMed 22378279 (cited by 3 submitters); PubMed 25637381 (cited by Women's Health and Genetics/Laboratory Corporation of America, LabCorp); PubMed 26986070 (cited by Women's Health and Genetics/Laboratory Corporation of America, LabCorp); PubMed 17161064 (cited by Ambry Genetics and Cardiovascular Biomedical Research Unit, Royal Brompton & Harefield NHS Foundation Trust); PubMed 22927196 (cited by Ambry Genetics); PubMed 22581653 (cited by Cardiovascular Biomedical Research Unit, Royal Brompton & Harefield NHS Foundation Trust).

NM_000238.4(KCNH2):c.2660G>A (p.Arg887His)

Gene: KCNH2 (potassium voltage-gated channel subfamily H member 2; minus strand). Cytogenetic location: 7q36.1.
Variant type: single nucleotide variant.
Coding change: c.2660G>A on transcript NM_000238.4 (MANE Select); coding-DNA position 2660, G replaced by A.
Protein change: p.Arg887His; replaces arginine 887 with histidine.
Molecular consequence: missense variant.
Genome position (GRCh38, 1-based): chr7:150,948,476, C>T on the plus strand (G>A on the coding strand, the complement: KCNH2 is on the minus strand). VCF-style: chr7-150948476-C-T. GRCh37 (hg19) VCF-style: chr7-150645564-C-T.
Other names: c.2660G>A (LRG_288t1); c.1640G>A, p.Arg547His (NM_172057.3); short protein forms R547H, R887H.
Identifiers: ClinVar variation 67423 (VCV000067423.24), dbSNP rs199473432, ClinGen allele CA007095.